The following is an entry in ClinVar:

ClinVar aggregate classification (germline): Uncertain significance (1 of 4 stars; one submission).

Conditions:
Hereditary spastic paraplegia 4. Also called: Spastic Paraplegia 4; Spastic paraplegia 4, autosomal dominant; Familial spastic paraplegia autosomal dominant 2. Identifiers: Orphanet 100985, MedGen C1866855, MONDO:0008438, OMIM 182601.

gnomAD v4.1: 3 of 1,600,912 alleles (0.00019%); highest among the groups gnomAD compares: Non-Finnish European, 0.00026%; no homozygotes.

Submission:

Labcorp Genetics (formerly Invitae), Labcorp
Classification: Uncertain significance for Hereditary spastic paraplegia 4. Last evaluated: 2025-05-21. Review status: criteria provided, single submitter. Criteria: Invitae Variant Classification Sherloc (09022015). Collection method: clinical testing. Allele origin: germline.
Comment: This sequence change replaces proline, which is neutral and non-polar, with serine, which is neutral and polar, at codon 34 of the SPAST protein (p.Pro34Ser). This variant is present in population databases (no rsID available, gnomAD 0.0009%). This variant has not been reported in the literature in individuals affected with SPAST-related conditions. Invitae Evidence Modeling of protein sequence and biophysical properties (such as structural, functional, and spatial information, amino acid conservation, physicochemical variation, residue mobility, and thermodynamic stability) indicates that this missense variant is not expected to disrupt SPAST protein function with a negative predictive value of 95%. In summary, the available evidence is currently insufficient to determine the role of this variant in disease. Therefore, it has been classified as a Variant of Uncertain Significance.

NM_014946.4(SPAST):c.100C>T (p.Pro34Ser)

Gene: SPAST (spastin; plus strand). Cytogenetic location: 2p22.3.
Variant type: single nucleotide variant.
Coding change: c.100C>T on transcript NM_014946.4 (MANE Select); coding-DNA position 100, C replaced by T.
Protein change: p.Pro34Ser; replaces proline 34 with serine.
Molecular consequence: missense variant.
Genome position (GRCh38, 1-based): chr2:32,063,931, C>T. VCF-style: chr2-32063931-C-T. GRCh37 (hg19) VCF-style: chr2-32289000-C-T.
Other names: c.100C>T, p.Pro34Ser (NM_001363823.2, NM_001363875.2, NM_001377959.1 and 1 more transcripts); short protein forms P34S.
Identifiers: ClinVar variation 4805124 (VCV004805124.1).